The following is an entry in ClinVar:

ClinVar aggregate classification (germline): Benign/Likely benign. Review status: criteria provided, multiple submitters, no conflicts (2 of 4 stars). 3 submissions from 3 submitters: Benign (1); Likely benign (2). Last evaluated 2026-01-10.

Conditions:
Renal cell carcinoma. Identifiers: Orphanet 217071, MedGen C0007134, MeSH D002292, MONDO:0005086, HP:0005584.
Hereditary cancer-predisposing syndrome. Also called: Tumor predisposition; Neoplastic Syndromes, Hereditary; Hereditary Cancer Syndrome; Hereditary neoplastic syndrome. Identifiers: Orphanet 140162, MedGen C0027672, MeSH D009386, MONDO:0015356.
Papillary renal cell carcinoma type 1 (RCCP1). Also called: RENAL CELL CARCINOMA, PAPILLARY, 1, SOMATIC; Renal adenocarcinoma; Renal cell carcinoma 1; Renal cell carcinoma, somatic. Identifiers: Orphanet 47044, MedGen C1336839, OMIM 605074, HP:0011797.

Allele frequency attached by ClinVar (database versions not stated): gnomAD exomes below 0.00001.

Submissions (3):

Labcorp Genetics (formerly Invitae), Labcorp
Classification: Likely benign for Renal cell carcinoma. Last evaluated: 2026-01-10. Review status: criteria provided, single submitter. Criteria: Invitae Variant Classification Sherloc (09022015). Collection method: clinical testing. Allele origin: germline.

Myriad Genetics, Inc.
Classification: Benign for Papillary renal cell carcinoma type 1. Last evaluated: 2024-11-07. Review status: criteria provided, single submitter. Criteria: Myriad Autosomal Dominant, Autosomal Recessive and X-Linked Classification Criteria (2023). Collection method: clinical testing. Allele origin: unknown.
Comment: This variant is considered benign. This variant is a silent/synonymous amino acid change and it is not expected to impact splicing.

Ambry Genetics
Classification: Likely benign for Hereditary cancer-predisposing syndrome. Last evaluated: 2019-09-12. Review status: criteria provided, single submitter. Criteria: Ambry Variant Classification Scheme 2023. Collection method: clinical testing. Allele origin: germline.

NM_000245.4(MET):c.1542A>G (p.Pro514=)

Gene: MET (MET proto-oncogene, receptor tyrosine kinase; plus strand). Cytogenetic location: 7q31.2.
Variant type: single nucleotide variant.
Coding change: c.1542A>G on transcript NM_000245.4 (MANE Select); coding-DNA position 1542, A replaced by G.
Protein change: p.Pro514=; no amino-acid change (proline 514 retained).
Molecular consequence: synonymous variant.
Genome position (GRCh38, 1-based): chr7:116,740,866, A>G. VCF-style: chr7-116740866-A-G. GRCh37 (hg19) VCF-style: chr7-116380920-A-G.
Other names: c.1542A>G, p.Pro514= (NM_001127500.3, NM_001324401.3); c.252A>G, p.Pro84= (NM_001324402.2).
Identifiers: ClinVar variation 765278 (VCV000765278.13), dbSNP rs1584923096, ClinGen allele CA457215555.